The following is an entry in ClinVar:

NM_004612.4(TGFBR1):c.1110C>G (p.Asn370Lys)

Gene: TGFBR1 (transforming growth factor beta receptor 1; plus strand). Cytogenetic location: 9q22.33.
Variant type: single nucleotide variant.
Coding change: c.1110C>G on transcript NM_004612.4 (MANE Select); coding-DNA position 1110, C replaced by G.
Protein change: p.Asn370Lys; replaces asparagine 370 with lysine.
Molecular consequence: missense variant.
Genome position (GRCh38, 1-based): chr9:99,144,868, C>G. VCF-style: chr9-99144868-C-G. GRCh37 (hg19) VCF-style: chr9-101907150-C-G.
Other names: p.N370K:AAC>AAG; c.879C>G, p.Asn293Lys (NM_001130916.3); c.1122C>G, p.Asn374Lys (NM_001306210.2); short protein forms N370K, N374K, N293K.
Identifiers: ClinVar variation 213903 (VCV000213903.2), dbSNP rs368402450, ClinGen allele CA319769.

ClinVar aggregate classification (germline): Uncertain significance (1 of 4 stars; one submission).

Submission:

GeneDx
Classification: Uncertain significance. Last evaluated: 2014-10-23. Review status: criteria provided, single submitter. Criteria: GeneDx Variant Classification (06012015). Collection method: clinical testing. Allele origin: germline. Affected: yes.
Comment: p.Asn370Lys (AAC>AAG): c.1110 C>G in exon 6 of the TGFBR1 gene (NM_004612.2) The N370K variant of unknown significance in the TGFBR1 gene has not been published as a mutation, nor has it been reported as a benign polymorphism to our knowledge. The N370K variant was not observed in approximately 6,500 individuals of European and African American ancestry in the NHLBI Exome Sequencing Project, indicating it is not a common benign variant in these populations. The N370K variant is a semi-conservative amino acid substitution, which may impact secondary protein structure as these residues differ in some properties. This substitution occurs at a position that is mostly conserved across species; however, K370 is present as the wild type in bushbaby. In silico analysis predicts this variant is probably damaging to the protein structure/function. Missense mutations in nearby residues G374E, T375R, M379V have been reported in association with Loeys-Dietz syndrome, supporting the functional importance of this region of the protein. Therefore, based on the currently available information, it is unclear whether this variant is a pathogenic mutation or a rare benign variant. This variant was found in TAAD